The following is an entry in ClinVar:

ClinVar aggregate classification (germline): Conflicting classifications of pathogenicity. Review status: criteria provided, conflicting classifications (1 of 4 stars). 7 submissions from 7 submitters: Likely pathogenic (2); Uncertain significance (3). 2 of the submissions do not count toward it. Last evaluated 2025-02-11.

Conditions:
Cardiovascular phenotype. Identifiers: MedGen CN230736.
KCNQ1-related disorder. Also called: KCNQ1-related condition; KCNQ1-related disorders. Identifiers: MedGen CN239322.
Familial long QT syndrome (RWS). Also called: Congenital long QT syndrome; Romano-Ward syndrome; VENTRICULAR FIBRILLATION WITH PROLONGED QT INTERVAL. Identifiers: Orphanet 768, MedGen C1141890, MONDO:0019171.
Long QT syndrome (LQTS). Identifiers: MedGen C0023976, MeSH D008133, MONDO:0002442. Disease mechanism: loss of function. Inheritance: Various modes of inheritance.
Long QT syndrome 1 (LQT1). Identifiers: Orphanet 101016, Orphanet 768, MedGen C4551647, MONDO:0100316, OMIM 192500, MONDO:0008646.

Allele frequency attached by ClinVar (database versions not stated): TOPMed 0.00001; ESP Exome Variant Server 0.00015; gnomAD 0.00001.
gnomAD v4.1: 21 of 1,613,806 alleles (0.0013%); highest among the groups gnomAD compares: Non-Finnish European, 0.0017%; no homozygotes.

Submissions (7):

GeneDx
Classification: Uncertain significance. Last evaluated: 2025-02-11. Review status: criteria provided, single submitter. Criteria: GeneDx Variant Classification Process June 2021. Collection method: clinical testing. Allele origin: germline. Affected: yes.
Comment: Reported in a patient referred for LQTS genetic testing (PMID: 15840476); Not observed at significant frequency in large population cohorts (gnomAD); Published functional studies suggest K526E may affect potassium channel gating and cause a reduction in current density (PMID: 28976808); In silico analysis indicates that this missense variant does not alter protein structure/function; This variant is associated with the following publications: (PMID: 22378279, 25637381, 28096388, 31535183, 15840476, 28976808)

Labcorp Genetics (formerly Invitae), Labcorp
Classification: Uncertain significance for Long QT syndrome. Last evaluated: 2024-09-11. Review status: criteria provided, single submitter. Criteria: Invitae Variant Classification Sherloc (09022015). Collection method: clinical testing. Allele origin: germline.
Comment: This sequence change replaces lysine, which is basic and polar, with glutamic acid, which is acidic and polar, at codon 526 of the KCNQ1 protein (p.Lys526Glu). This variant is present in population databases (rs199472792, gnomAD 0.002%). This missense change has been observed in individual(s) with clinical features of long QT syndrome (PMID: 15840476). ClinVar contains an entry for this variant (Variation ID: 52995). Invitae Evidence Modeling of protein sequence and biophysical properties (such as structural, functional, and spatial information, amino acid conservation, physicochemical variation, residue mobility, and thermodynamic stability) indicates that this missense variant is expected to disrupt KCNQ1 protein function with a positive predictive value of 95%. Experimental studies have shown that this missense change affects KCNQ1 function (PMID: 28096388). In summary, the available evidence is currently insufficient to determine the role of this variant in disease. Therefore, it has been classified as a Variant of Uncertain Significance.

Blueprint Genetics
Classification: Likely pathogenic for KCNQ1-related disorders. Last evaluated: 2022-12-30. Review status: criteria provided, single submitter. Criteria: ACMG Guidelines, 2015. Collection method: clinical testing. Allele origin: germline. Affected: yes. Observed: 3 variant alleles.

Victorian Clinical Genetics Services, Murdoch Childrens Research Institute
Classification: Likely pathogenic for Long QT syndrome 1. Last evaluated: 2022-02-02. Review status: criteria provided, single submitter. Criteria: ACMG Guidelines, 2015. Collection method: clinical testing. Allele origin: germline. Inheritance: Autosomal dominant inheritance. Affected: yes.
Comment: Based on the classification scheme VCGS_Germline_v1.3.4, this variant is classified as Likely Pathogenic. Following criteria are met: 0103 - Dominant negative, loss of function and gain of function are known mechanisms of disease in this gene. Gain of function variants result exclusively in short QT syndrome (MIM#609621), while dominant negative and loss of function variants can cause long QT syndrome (LQTS, MIM#192500), atrial fibrillation (MIM#607554) and Jervell and Lange-Nielsen syndrome (JLNS, MIM#220400) (OMIM, PMIDs: 19632626, 28438721). (I) 0108 - This gene is known to be associated with both recessive and dominant disease. JLNS is characterized by congenital, bilateral deafness and variable degrees of QT prolongation, and is the only condition caused by biallelic variants (PMID: 28438721). (I) 0112 - The condition associated with this gene has incomplete penetrance (OMIM, PMID: 20301308). (I) 0200 - Variant is predicted to result in a missense amino acid change from lysine to glutamic acid. (I) 0251 - This variant is heterozygous. (I) 0302 - Variant is present in gnomAD (v2) <0.001 for a dominant condition (2 heterozygotes, 0 homozygotes). (SP) 0309 - An alternative amino acid change at the same position has been observed in gnomAD (v2) (4 heterozygotes, 0 homozygotes). (I) 0502 - Missense variant with conflicting in silico predictions and uninformative conservation. (I) 0600 - Variant is located in the annotated helix B within the KCNQ voltage-gated potassium channel (DECIPHER, PMID: 28096388). (I) 0710 - Another missense variant comparable to the one identified in this case has inconclusive previous evidence for pathogenicity. This alternative change (p.(Lys526Gln)) has been reported as a VUS (ClinVar). Another missense variant at the same residue but with a stronger Grantham change (p.(Lys526Asn)) has also been reported as a VUS (ClinVar). (I) 0809 - Previous evidence of pathogenicity for this variant is inconclusive. This variant has been reported multiple times as a VUS, and observed in at least five unrelated individuals with LQTS or an inherited arrhythmia (ClinVar personal communication, PMID: 15840476, PMID: 31535183). (I) 0906 - Segregation evidence for this variant is inconclusive. This variant has segregated within two individuals, however more meioses are required to establish the significance (ClinVar). (I) 1002 - This variant has moderate functional evidence supporting abnormal protein function. Functional analysis on transfected CHO cells demonstrates that this variant severely damages channel function with right shifts in voltage dependence of activation, reduced current density and insensitivity to Ca2+-calmodulin gating (PMID: 28096388). (SP) 1208 - Inheritance information for this variant is not currently available in this individual. (I) Legend: (SP) - Supporting pathogenic, (I) - Information, (SB) - Supporting benign

Ambry Genetics
Classification: Uncertain significance for Cardiovascular phenotype. Last evaluated: 2022-01-13. Review status: criteria provided, single submitter. Criteria: Ambry Variant Classification Scheme 2023. Collection method: clinical testing. Allele origin: germline.

CSER _CC_NCGL, University of Washington
Classification: Uncertain significance for Long QT syndrome. Last evaluated: 2014-06-01. Review status: no assertion criteria provided. Collection method: research. Allele origin: germline. Inheritance: Autosomal dominant inheritance. Study: ESP 6500 variant annotation. Not counted in ClinVar's aggregate classification.
Comment: Variants classified for the Actionable exomic incidental findings in 6503 participants: challenges of variant classification manuscript

Cardiovascular Biomedical Research Unit, Royal Brompton & Harefield NHS Foundation Trust
No classification provided. Condition: Familial long QT syndrome. Review status: no classification provided. Collection method: literature only. Allele origin: germline. Not counted in ClinVar's aggregate classification.
Comment: This variant has been reported as associated with Long QT syndrome in the following publications (PMID:15840476;PMID:22378279). This is a literature report, and does not necessarily reflect the clinical interpretation of the Imperial College / Royal Brompton Cardiovascular Genetics laboratory.

Literature cited by the submitters: PubMed 15840476 (cited by 3 submitters); PubMed 28096388 (cited by Labcorp Genetics (formerly Invitae), Labcorp and Victorian Clinical Genetics Services, Murdoch Childrens Research Institute); PubMed 19632626 (cited by Victorian Clinical Genetics Services, Murdoch Childrens Research Institute); PubMed 20301308 (cited by Victorian Clinical Genetics Services, Murdoch Childrens Research Institute); PubMed 28438721 (cited by Victorian Clinical Genetics Services, Murdoch Childrens Research Institute); PubMed 31535183 (cited by Victorian Clinical Genetics Services, Murdoch Childrens Research Institute); PubMed 22378279 (cited by Cardiovascular Biomedical Research Unit, Royal Brompton & Harefield NHS Foundation Trust); PubMed 22581653 (cited by Cardiovascular Biomedical Research Unit, Royal Brompton & Harefield NHS Foundation Trust).

NM_000218.3(KCNQ1):c.1576A>G (p.Lys526Glu)

Gene: KCNQ1 (potassium voltage-gated channel subfamily Q member 1; plus strand). Cytogenetic location: 11p15.5.
Variant type: single nucleotide variant.
Coding change: c.1576A>G on transcript NM_000218.3 (MANE Select); coding-DNA position 1576, A replaced by G.
Protein change: p.Lys526Glu; replaces lysine 526 with glutamic acid.
Molecular consequence: missense variant.
Genome position (GRCh38, 1-based): chr11:2,768,905, A>G. VCF-style: chr11-2768905-A-G. GRCh37 (hg19) VCF-style: chr11-2790135-A-G.
Other names: p.K526E:AAG>GAG; c.1576A>G (LRG_287t1); c.1480A>G, p.Lys494Glu (NM_001406836.1); c.1306A>G, p.Lys436Glu (NM_001406837.1); c.1036A>G, p.Lys346Glu (NM_001406838.1); c.1195A>G, p.Lys399Glu (NM_181798.2); short protein forms K526E, K399E, K436E, K346E, K494E.
Identifiers: ClinVar variation 52995 (VCV000052995.14), dbSNP rs199472792, ClinGen allele CA005962.